The following is an entry in ClinVar:

ClinVar aggregate classification (germline): Pathogenic (1 of 4 stars; one submission).

Conditions:
Hereditary cancer-predisposing syndrome. Also called: Neoplastic Syndromes, Hereditary; Tumor predisposition; Hereditary Cancer Syndrome; Hereditary neoplastic syndrome. Identifiers: Orphanet 140162, MedGen C0027672, MeSH D009386, MONDO:0015356.

Submission:

Ambry Genetics
Classification: Pathogenic for Hereditary cancer-predisposing syndrome. Last evaluated: 2022-09-11. Review status: criteria provided, single submitter. Criteria: Ambry Variant Classification Scheme 2023. Collection method: clinical testing. Allele origin: germline.
Comment: The p.C100* variant (also known as c.300T>A), located in coding exon 3 of the BMPR1A gene, results from a T to A substitution at nucleotide position 300. This changes the amino acid from a cysteine to a stop codon within coding exon 3. This variant is considered to be rare based on population cohorts in the Genome Aggregation Database (gnomAD). This alteration is expected to result in loss of function by premature protein truncation or nonsense-mediated mRNA decay. As such, this alteration is interpreted as a disease-causing mutation.

NM_004329.3(BMPR1A):c.300T>A (p.Cys100Ter)

Gene: BMPR1A (bone morphogenetic protein receptor type 1A; plus strand). Cytogenetic location: 10q23.2.
Variant type: single nucleotide variant.
Coding change: c.300T>A on transcript NM_004329.3 (MANE Select); coding-DNA position 300, T replaced by A.
Protein change: p.Cys100Ter; replaces cysteine 100 with a stop codon.
Molecular consequence: nonsense.
Genome position (GRCh38, 1-based): chr10:86,892,196, T>A. VCF-style: chr10-86892196-T-A. GRCh37 (hg19) VCF-style: chr10-88651953-T-A.
Other names: c.300T>A, p.Cys100Ter (NM_001406561.1, NM_001406562.1, NM_001406563.1 and 23 more transcripts); c.216T>A, p.Cys72Ter (NM_001406584.1, NM_001406585.1, NM_001406586.1 and 2 more transcripts); short protein forms C100*, C72*.
Identifiers: ClinVar variation 1798801 (VCV001798801.2), dbSNP rs754180012, ClinGen allele CA377448167.